The following is an entry in ClinVar:

ClinVar aggregate classification (germline): Pathogenic. Review status: reviewed by expert panel (3 of 4 stars). 2 submissions from 2 submitters: Pathogenic (1). 1 of the submissions does not count toward it. Last evaluated 2016-09-08.

Conditions:
Breast-ovarian cancer, familial, susceptibility to, 1 (BROVCA1). Also called: BRCA1 Hereditary Breast and Ovarian Cancer; OVARIAN CANCER, SUSCEPTIBILITY TO. Identifiers: Orphanet 145, MedGen C2676676, MONDO:0011450, OMIM 604370. Disease mechanism: loss of function.

Submissions (2):

Evidence-based Network for the Interpretation of Germline Mutant Alleles (ENIGMA)
Classification: Pathogenic for Breast-ovarian cancer, familial, susceptibility to, 1. Last evaluated: 2016-09-08. Review status: reviewed by expert panel. Criteria: ENIGMA BRCA1/2 Classification Criteria (2015). Collection method: curation. Allele origin: germline.
Comment: Variant allele predicted to encode a truncated non-functional protein.

Breast Cancer Information Core (BIC) (BRCA1)
Classification: Pathogenic for Breast-ovarian cancer, familial 1. Last evaluated: 2004-11-25. Review status: no assertion criteria provided. Collection method: clinical testing. Allele origin: germline. Affected: yes. Observed: 1 variant allele. Not counted in ClinVar's aggregate classification.

NM_007294.4(BRCA1):c.5243del (p.Gly1748fs)

Gene: BRCA1 (BRCA1 DNA repair associated; minus strand). Cytogenetic location: 17q21.31.
Variant type: Deletion.
Coding change: c.5243del on transcript NM_007294.4 (MANE Select); coding-DNA position 5243, one base deleted (G; older notation c.5243delG).
Protein change: p.Gly1748fs; shifts the reading frame from glycine 1748.
Molecular consequence: frameshift variant. On other transcripts: non-coding transcript variant (1).
Genome position (GRCh38, 1-based): chr17:43,057,086, C deleted on the plus strand (G on the coding strand, the reverse complement: BRCA1 is on the minus strand); the first of 2 consecutive C bases (chr17:43,057,086-43,057,087); deleting either gives the same sequence. VCF-style (leftmost placement, unchanged base first): chr17-43057085-AC-A. GRCh37 (hg19) VCF-style: chr17-41209102-AC-A.
Other names: 5362delG; c.5243delG (NM_007294.3); c.5029delG, p.Gly1677Valfs (NM_001407894.1, NM_001407895.1, NM_001407896.1 and 12 more transcripts); c.5026delG, p.Gly1676Valfs (NM_001407915.1, NM_001407916.1, NM_001407917.1 and 1 more transcripts); c.5119delG, p.Gly1707Valfs (NM_001407919.1, NM_001407937.1, NM_001407938.1 and 6 more transcripts); c.4978delG, p.Gly1660Valfs (NM_001407920.1, NM_001407921.1, NM_001407922.1 and 4 more transcripts); c.4975delG, p.Gly1659Valfs (NM_001407927.1, NM_001407928.1, NM_001407929.1 and 4 more transcripts); c.4972delG, p.Gly1658Valfs (NM_001407934.1, NM_001407935.1, NM_001407936.1); and 77 more; short protein forms G1769fs, G644fs, G1701fs, G1748fs.
Identifiers: ClinVar variation 55477 (VCV000055477.3), dbSNP rs80357676, ClinGen allele CA003384.